The following is an entry in ClinVar:

NM_000202.8(IDS):c.262C>G (p.Arg88Gly)

Gene: IDS (iduronate 2-sulfatase; minus strand). Cytogenetic location: Xq28.
Variant type: single nucleotide variant.
Coding change: c.262C>G on transcript NM_000202.8 (MANE Select); coding-DNA position 262, C replaced by G.
Protein change: p.Arg88Gly; replaces arginine 88 with glycine.
Molecular consequence: missense variant. On other transcripts: non-coding transcript variant (1), intron variant (1).
Genome position (GRCh38, 1-based): chrX:149,503,468, G>C on the plus strand (C>G on the coding strand, the complement: IDS is on the minus strand). VCF-style: chrX-149503468-G-C. GRCh37 (hg19) VCF-style: chrX-148584998-G-C.
Other names: c.262C>G, p.Arg88Gly (NM_006123.5); c.15-23C>G (NM_001166550.4); short protein forms R88G.
Identifiers: ClinVar variation 3255640 (VCV003255640.2).

ClinVar aggregate classification (germline): Pathogenic (1 of 4 stars; one submission).

Conditions:
Mucopolysaccharidosis, MPS-II (MPS2). Also called: Hunter Syndrome; IDURONATE 2-SULFATASE DEFICIENCY; Mucopolysaccharidosis Type II; Mucopolysaccharidosis type 2; Attenuated MPS (subtype; formerly known as mild MPS II); Severe MPS II. Identifiers: Orphanet 580, Orphanet 79388, MedGen C0026705, MONDO:0010674, OMIM 309900.

Submission:

Laboratory of Diagnosis and Therapy of Lysosomal Disorders, University of Padova
Classification: Pathogenic for Mucopolysaccharidosis, MPS-II. Last evaluated: 2024-06-07. Review status: criteria provided, single submitter. Criteria: ACMG Guidelines, 2015. Collection method: literature only. Allele origin: germline. Affected: yes. Observed: 2 variant alleles.
Comment: Located in a mutational hot spot and/or critical functional domain (PM1_Moderate), Absent from controls (or at low frequency) in gnomAD database (PM2_Moderate), Missense variant in a gene with a low rate of benign missense variation (PP2_Supporting), Multiple lines of computational evidence support a deleterious effect (PP3_Supporting), Patient’s phenotype or family history highly specific for the disease (PP4_Strong)

Classification method: ACMG Guidelines [PMID:25741868] with modifications

Literature cited by the submitters: PubMed 9660053; PubMed 34670126.